The following is an entry in ClinVar:

NM_001330078.2(NRXN1):c.3076T>A (p.Leu1026Ile)

Gene: NRXN1 (neurexin 1; minus strand). Cytogenetic location: 2p16.3.
Variant type: single nucleotide variant.
Coding change: c.3076T>A on transcript NM_001330078.2 (MANE Select); coding-DNA position 3076, T replaced by A.
Protein change: p.Leu1026Ile; replaces leucine 1026 with isoleucine.
Molecular consequence: missense variant.
Genome position (GRCh38, 1-based): chr2:50,472,466, A>T on the plus strand (T>A on the coding strand, the complement: NRXN1 is on the minus strand). VCF-style: chr2-50472466-A-T. GRCh37 (hg19) VCF-style: chr2-50699604-A-T.
Other names: c.3196T>A, p.Leu1066Ile (NM_001135659.3); c.3052T>A, p.Leu1018Ile (NM_001330077.2, NM_001330082.2); c.3010T>A, p.Leu1004Ile (NM_001330083.2, NM_001330084.2); c.3049T>A, p.Leu1017Ile (NM_001330085.2); c.3076T>A, p.Leu1026Ile (NM_001330086.2, NM_004801.6); c.2965T>A, p.Leu989Ile (NM_001330087.2, NM_001330096.2); c.2995T>A, p.Leu999Ile (NM_001330088.2); c.3073T>A, p.Leu1025Ile (NM_001330093.2); and 2 more; short protein forms L1066I, L1004I, L1022I, L1026I, L1009I, L1018I, L1025I, L989I.
Identifiers: ClinVar variation 589457 (VCV000589457.5), dbSNP rs1558790614, ClinGen allele CA346772969.

ClinVar aggregate classification (germline): Uncertain significance (1 of 4 stars; one submission).

Conditions:
Inborn genetic diseases. Identifiers: MedGen C0950123, MeSH D030342.

Allele frequency attached by ClinVar (database versions not stated): gnomAD exomes below 0.00001.
gnomAD v4.1: 4 of 1,610,088 alleles (0.00025%); highest among the groups gnomAD compares: Non-Finnish European, 0.00034%; no homozygotes.

Submission:

Ambry Genetics
Classification: Uncertain significance for Inborn genetic diseases. Last evaluated: 2016-11-22. Review status: criteria provided, single submitter. Criteria: Ambry Variant Classification Scheme 2023. Collection method: clinical testing. Allele origin: germline.
Comment: The p.L1066I variant (also known as c.3196T>A), located in coding exon 16 of the NRXN1 gene, results from a T to A substitution at nucleotide position 3196. The leucine at codon 1066 is replaced by isoleucine, an amino acid with highly similar properties. This variant was not reported in population based cohorts in the following databases: Database of Single Nucleotide Polymorphisms (dbSNP), NHLBI Exome Sequencing Project (ESP), and 1000 Genomes Project. In the ESP, this variant was not observed in 5943 samples (11886 alleles) with coverage at this position. This amino acid position is highly conserved in available vertebrate species. In addition, the in silico prediction for this alteration is inconclusive. Since supporting evidence is limited at this time, the clinical significance of this alteration remains unclear.